The following is an entry in ClinVar:

ClinVar aggregate classification (germline): Uncertain significance (1 of 4 stars; one submission).

Allele frequency attached by ClinVar (database versions not stated): ExAC 0.00002; TOPMed 0.00002; gnomAD 0.00004; gnomAD exomes 0.00004; ESP Exome Variant Server 0.00008.
gnomAD v4.1: 56 of 1,613,284 alleles (0.0035%); highest among the groups gnomAD compares: Admixed American, 0.005%; no homozygotes.

Submission:

Labcorp Genetics (formerly Invitae), Labcorp
Classification: Uncertain significance. Last evaluated: 2024-08-14. Review status: criteria provided, single submitter. Criteria: Invitae Variant Classification Sherloc (09022015). Collection method: clinical testing. Allele origin: germline.
Comment: This sequence change replaces threonine, which is neutral and polar, with methionine, which is neutral and non-polar, at codon 3369 of the HMCN1 protein (p.Thr3369Met). This variant is present in population databases (rs373982404, gnomAD 0.008%). This variant has not been reported in the literature in individuals affected with HMCN1-related conditions. An algorithm developed to predict the effect of missense changes on protein structure and function outputs the following: PolyPhen-2: "Benign". The methionine amino acid residue is found in multiple mammalian species, which suggests that this missense change does not adversely affect protein function. In summary, the available evidence is currently insufficient to determine the role of this variant in disease. Therefore, it has been classified as a Variant of Uncertain Significance.

NM_031935.3(HMCN1):c.10106C>T (p.Thr3369Met)

Gene: HMCN1 (hemicentin 1; plus strand). Cytogenetic location: 1q31.1.
Variant type: single nucleotide variant.
Coding change: c.10106C>T on transcript NM_031935.3 (MANE Select); coding-DNA position 10106, C replaced by T.
Protein change: p.Thr3369Met; replaces threonine 3369 with methionine.
Molecular consequence: missense variant.
Genome position (GRCh38, 1-based): chr1:186,093,579, C>T. VCF-style: chr1-186093579-C-T. GRCh37 (hg19) VCF-style: chr1-186062711-C-T.
Other names: short protein forms T3369M.
Identifiers: ClinVar variation 3018430 (VCV003018430.3), dbSNP rs373982404, ClinGen allele CA1293641.
Genomic context (GRCh38, chr1:186,093,579, plus strand): 5'-CAGAGAAACTAATGACTTTAGTGGATACTTCAATAAATATTGAATGCAGAGCCACAGGGA[C>T]GCCTCCACCACAGATAAACTGGCTGAAGAATGGACTTCCTCTGCCTCTCTCCTCCCATAT-3'
Protein context (NP_114141.2, residues 3359-3379): SINIECRATG[Thr3369Met]PPPQINWLKN